The following is an entry in ClinVar:

NM_001267550.2(TTN):c.59811C>A (p.Phe19937Leu)

Genes: TTN (titin; minus strand), TTN-AS1 (TTN antisense RNA 1; plus strand), LOC126806424 (CDK7 strongly-dependent group 2 enhancer GRCh37_chr2:179456337-179457536; plus strand). Cytogenetic location: 2q31.2.
Variant type: single nucleotide variant.
Coding change: c.59811C>A on transcript NM_001267550.2 (MANE Select); coding-DNA position 59811, C replaced by A.
Protein change: p.Phe19937Leu; replaces phenylalanine 19937 with leucine.
Molecular consequence: missense variant.
Genome position (GRCh38, 1-based): chr2:178,592,093, G>T on the plus strand (C>A on the coding strand, the complement: TTN is on the minus strand). VCF-style: chr2-178592093-G-T. GRCh37 (hg19) VCF-style: chr2-179456820-G-T.
Other names: c.54888C>A, p.Phe18296Leu (NM_001256850.1); c.32616C>A, p.Phe10872Leu (NM_003319.4); c.52107C>A, p.Phe17369Leu (NM_133378.4); c.32991C>A, p.Phe10997Leu (NM_133432.3); c.33192C>A, p.Phe11064Leu (NM_133437.4); short protein forms F10872L, F10997L, F11064L, F17369L, F18296L, F19937L.
Identifiers: ClinVar variation 1330739 (VCV001330739.7), dbSNP rs781544233, ClinGen allele CA349489870.

ClinVar aggregate classification (germline): Uncertain significance (1 of 4 stars; one submission).

Submission:

ARUP Laboratories, Molecular Genetics and Genomics, ARUP Laboratories
Classification: Uncertain significance. Last evaluated: 2021-05-07. Review status: criteria provided, single submitter. Criteria: ARUP Molecular Germline Variant Investigation Process 2021. Collection method: clinical testing. Allele origin: germline.
Comment: The TTN c.59811C>A; p.Phe19937Leu variant is rare in the general population (<0.2% allele frequency in the Genome Aggregation Database) and has not been reported in the medical literature in association with dilated cardiomyopathy (DCM) or other TTN-related disease. The clinical relevance of rare missense variants in this gene, which are identified on average once per individual sequenced in affected populations (Herman 2012), is not well understood. Yet, evidence suggests that the vast majority of such missense variants do not contribute to the clinical outcome of DCM (Begay 2015). Thus, the clinical significance of the p.Phe19937Leu variant cannot be determined with certainty. References: Begay RL et al. Role of Titin Missense Variants in Dilated Cardiomyopathy. J Am Heart Assoc. 2015 Nov 13;4(11). Herman DS et al. Truncations of titin causing dilated cardiomyopathy. N Engl J Med. 2012 Feb 16;366(7):619-28.